The following is an entry in ClinVar:

NM_001267550.2(TTN):c.65576-15_65576-11del

Genes: TTN-AS1 (TTN antisense RNA 1; plus strand), TTN (titin; minus strand). Cytogenetic location: 2q31.2.
Variant type: Deletion.
Coding change: c.65576-15_65576-11del on transcript NM_001267550.2 (MANE Select); 15 bases into the intron before coding-DNA position 65576 through 11 bases into the intron before coding-DNA position 65576, 5 bases deleted (CTTAT; older notation c.65576-15_65576-11delCTTAT).
Molecular consequence: intron variant.
Genome position (GRCh38, 1-based): chr2:178,583,238-178,583,242, ATAAG deleted on the plus strand (CTTAT on the coding strand, the reverse complement: TTN is on the minus strand); deleting any 5 consecutive bases within chr2:178,583,238-178,583,246 gives the same sequence; the c. name uses the placement nearest the transcript's 3' end. VCF-style (leftmost placement, unchanged base first): chr2-178583237-AATAAG-A. GRCh37 (hg19) VCF-style: chr2-179447964-AATAAG-A.
Other names: c.38381-15_38381-11del (NM_003319.4); c.38957-15_38957-11del (NM_133437.4); c.38756-15_38756-11del (NM_133432.3); c.57872-15_57872-11del (NM_133378.4); c.60653-15_60653-11del (NM_001256850.1); c.60653-15_60653-11delCTTAT (NM_001256850.1).
Identifiers: ClinVar variation 422773 (VCV000422773.6), dbSNP rs1064795987, ClinGen allele CA16617365.

ClinVar aggregate classification (germline): Likely benign. Review status: criteria provided, multiple submitters, no conflicts (2 of 4 stars). 2 submissions from 2 submitters: Likely benign (2). Last evaluated 2022-06-25.

Conditions:
Dilated cardiomyopathy 1G (CMD1G). Identifiers: Orphanet 154, MedGen C1858763, MONDO:0011400, OMIM 604145.
Autosomal recessive limb-girdle muscular dystrophy type 2J (LGMDR10). Also called: MUSCULAR DYSTROPHY, LIMB-GIRDLE, AUTOSOMAL RECESSIVE 10; Limb-girdle muscular dystrophy, type 2J. Identifiers: Orphanet 140922, MedGen C1837342, MONDO:0012127, OMIM 608807.

Submissions (2):

Labcorp Genetics (formerly Invitae), Labcorp
Classification: Likely benign for Dilated cardiomyopathy 1G; Autosomal recessive limb-girdle muscular dystrophy type 2J. Last evaluated: 2022-06-25. Review status: criteria provided, single submitter. Criteria: Invitae Variant Classification Sherloc (09022015). Collection method: clinical testing. Allele origin: germline.

GeneDx
Classification: Likely benign. Last evaluated: 2016-11-22. Review status: criteria provided, single submitter. Criteria: GeneDx Variant Classification (06012015). Collection method: clinical testing. Allele origin: germline. Affected: yes.
Comment: This variant is considered likely benign or benign based on one or more of the following criteria: it is a conservative change, it occurs at a poorly conserved position in the protein, it is predicted to be benign by multiple in silico algorithms, and/or has population frequency not consistent with disease.